The following is an entry in ClinVar:

NM_001853.4(COL9A3):c.1549-4C>A

Genes: COL9A3 (collagen type IX alpha 3 chain; plus strand), LOC126863084 (MED14-independent group 3 enhancer GRCh37_chr20:61467141-61468340; plus strand). Cytogenetic location: 20q13.33.
Variant type: single nucleotide variant.
Coding change: c.1549-4C>A on transcript NM_001853.4 (MANE Select); 4 bases into the intron before coding-DNA position 1549, C replaced by A.
Molecular consequence: intron variant.
Genome position (GRCh38, 1-based): chr20:62,836,474, C>A. VCF-style: chr20-62836474-C-A. GRCh37 (hg19) VCF-style: chr20-61467826-C-A.
Other names: c.1549-4C>A (LRG_1253t1).
Identifiers: ClinVar variation 258414 (VCV000258414.46), dbSNP rs190389066, ClinGen allele CA9950063.
Genomic context (GRCh38, chr20:62,836,474, plus strand): 5'-ACGGTGGGAATGCCTCACCGAGGCTGCCGCCCCCATGCTGACGAATGTGTGGGGTGAATT[C>A]CAGGGGAAGGAGGCCAGCGAGCAGCGCATCAGGGAGCTGTGTGGGGGGATGATCAGCGGT-3'

ClinVar aggregate classification (germline): Benign/Likely benign. Review status: criteria provided, multiple submitters, no conflicts (2 of 4 stars). 10 submissions from 10 submitters: Benign (6); Likely benign (2). 2 of the submissions do not count toward it. Last evaluated 2026-01-29.

Conditions:
Connective tissue disorder. Also called: Connective tissue disease. Identifiers: MedGen C0009782, MONDO:0003900.

Allele frequency attached by ClinVar (database versions not stated): gnomAD exomes 0.00061; ExAC 0.00072; gnomAD 0.00232 and 0.00247; 1000 Genomes Project 30x 0.00234; 1000 Genomes Project 0.00240; TOPMed 0.00255; ESP Exome Variant Server 0.00285.
gnomAD v4.1: 670 of 1,613,614 alleles (0.042%); highest among the groups gnomAD compares: African/African-American, 0.78%; 4 homozygotes.

Submissions (10):

Labcorp Genetics (formerly Invitae), Labcorp
Classification: Benign. Last evaluated: 2026-01-29. Review status: criteria provided, single submitter. Criteria: Invitae Variant Classification Sherloc (09022015). Collection method: clinical testing. Allele origin: germline.

Blueprint Genetics
Classification: Benign. Last evaluated: 2024-11-27. Review status: criteria provided, single submitter. Criteria: ACMG Guidelines, 2015. Collection method: clinical testing. Allele origin: germline.

ARUP Laboratories, Molecular Genetics and Genomics, ARUP Laboratories
Classification: Likely benign. Last evaluated: 2023-09-22. Review status: criteria provided, single submitter. Criteria: ARUP Molecular Germline Variant Investigation Process 2024. Collection method: clinical testing. Allele origin: germline.

CeGaT Center for Human Genetics Tuebingen
Classification: Likely benign. Last evaluated: 2022-12-01. Review status: criteria provided, single submitter. Criteria: CeGaT Center For Human Genetics Tuebingen Variant Classification Criteria Version 2. Collection method: clinical testing. Allele origin: germline. Affected: yes. Observed: 1 variant allele.
Comment: COL9A3: BP4, BS2

GeneDx
Classification: Benign. Last evaluated: 2021-03-29. Review status: criteria provided, single submitter. Criteria: GeneDx Variant Classification Process June 2021. Collection method: clinical testing. Allele origin: germline. Affected: yes.

Genome Diagnostics Laboratory, The Hospital for Sick Children
Classification: Benign for Connective tissue disorder. Last evaluated: 2020-10-30. Review status: criteria provided, single submitter. Criteria: ACMG Guidelines, 2015. Collection method: clinical testing. Allele origin: germline.

Breakthrough Genomics
Classification: Benign. Review status: criteria provided, single submitter. Criteria: ACMG Guidelines, 2015. Collection method: not provided. Allele origin: germline. Inheritance: Autosomal recessive inheritance. Affected: yes.

PreventionGenetics, part of Exact Sciences
Classification: Benign. Review status: criteria provided, single submitter. Criteria: ACMG Guidelines, 2015. Collection method: clinical testing. Allele origin: germline.

Clinical Genetics DNA and cytogenetics Diagnostics Lab, Erasmus MC, Erasmus Medical Center
Classification: Likely benign. Review status: no assertion criteria provided. Collection method: clinical testing. Allele origin: germline. Affected: yes. Study: VKGL Data-share Consensus. Not counted in ClinVar's aggregate classification.

Laboratory of Diagnostic Genome Analysis, Leiden University Medical Center (LUMC)
Classification: Likely benign. Review status: no assertion criteria provided. Collection method: clinical testing. Allele origin: germline. Affected: yes. Study: VKGL Data-share Consensus. Not counted in ClinVar's aggregate classification.